The following is an entry in ClinVar:

NM_000053.4(ATP7B):c.334G>T (p.Val112Phe)

Gene: ATP7B (ATPase copper transporting beta; minus strand). Cytogenetic location: 13q14.3.
Variant type: single nucleotide variant.
Coding change: c.334G>T on transcript NM_000053.4 (MANE Select); coding-DNA position 334, G replaced by T.
Protein change: p.Val112Phe; replaces valine 112 with phenylalanine.
Molecular consequence: missense variant.
Genome position (GRCh38, 1-based): chr13:51,974,886, C>A on the plus strand (G>T on the coding strand, the complement: ATP7B is on the minus strand). VCF-style: chr13-51974886-C-A. GRCh37 (hg19) VCF-style: chr13-52549022-C-A.
Other names: c.334G>T, p.Val112Phe (NM_001005918.3, NM_001243182.2, NM_001330578.2 and 30 more transcripts); c.238G>T, p.Val80Phe (NM_001406517.1, NM_001406518.1, NM_001406530.1 and 4 more transcripts); short protein forms V112F, V80F.
Identifiers: ClinVar variation 1713750 (VCV001713750.5), dbSNP rs2547823720, ClinGen allele CA388044374.
Genomic context (GRCh38, chr13:51,974,886, plus strand): 5'-AGGCTGCCTTTCCTTCTGCAATGCTGGCCTCGAAGCCCATGTCCCCAATTTGATGGCAAA[C>A]CTGTTGCAGGCACACAACCGATGGCACATATTTCACAGTGGCACTGCCTTGTTCCAGGGA-3'
Protein context (NP_000044.2, residues 102-122): YVPSVVCLQQ[Val112Phe]CHQIGDMGFE

ClinVar aggregate classification (germline): Uncertain significance (1 of 4 stars; one submission).

Conditions:
Wilson disease (WND). Also called: Wilson's disease. Identifiers: Orphanet 905, MedGen C0019202, MONDO:0010200, OMIM 277900. Disease mechanism: loss of function.

Allele frequency attached by ClinVar (database versions not stated): gnomAD exomes below 0.00001.
gnomAD v4.1: 1 of 1,614,244 alleles (0.000062%); highest among the groups gnomAD compares: South Asian, 0.0011%; no homozygotes.

Submission:

Labcorp Genetics (formerly Invitae), Labcorp
Classification: Uncertain significance for Wilson disease. Last evaluated: 2022-07-26. Review status: criteria provided, single submitter. Criteria: Invitae Variant Classification Sherloc (09022015). Collection method: clinical testing. Allele origin: germline.
Comment: This sequence change replaces valine, which is neutral and non-polar, with phenylalanine, which is neutral and non-polar, at codon 112 of the ATP7B protein (p.Val112Phe). In summary, the available evidence is currently insufficient to determine the role of this variant in disease. Therefore, it has been classified as a Variant of Uncertain Significance. Advanced modeling of protein sequence and biophysical properties (such as structural, functional, and spatial information, amino acid conservation, physicochemical variation, residue mobility, and thermodynamic stability) performed at Invitae indicates that this missense variant is not expected to disrupt ATP7B protein function. This variant has not been reported in the literature in individuals affected with ATP7B-related conditions. This variant is not present in population databases (gnomAD no frequency).